The following is an entry in ClinVar:

NM_000051.4(ATM):c.4884G>T (p.Met1628Ile)

Gene: ATM (ATM serine/threonine kinase; plus strand). Cytogenetic location: 11q22.3.
Variant type: single nucleotide variant.
Coding change: c.4884G>T on transcript NM_000051.4 (MANE Select); coding-DNA position 4884, G replaced by T.
Protein change: p.Met1628Ile; replaces methionine 1628 with isoleucine.
Molecular consequence: missense variant.
Genome position (GRCh38, 1-based): chr11:108,295,034, G>T. VCF-style: chr11-108295034-G-T. GRCh37 (hg19) VCF-style: chr11-108165761-G-T.
Other names: c.4884G>T, p.Met1628Ile (NM_001351834.2); short protein forms M1628I.
Identifiers: ClinVar variation 860513 (VCV000860513.10), dbSNP rs2083044750, ClinGen allele CA382537181.
Genomic context (GRCh38, chr11:108,295,034, plus strand): 5'-GACAAGACTTGAAGGACTAAAGGATCTTCGAAGACAACTGGAACTACATAAAGATCAGAT[G>T]GTGGACATTATGAGAGCTTCTCAGGGTGCTAATTTTAAATGACATGGGCTATTTCTACCT-3'
Protein context (NP_000042.3, residues 1618-1638): RRQLELHKDQ[Met1628Ile]VDIMRASQDN

ClinVar aggregate classification (germline): Uncertain significance (1 of 4 stars; one submission).

Conditions:
Ataxia-telangiectasia syndrome (AT). Also called: Ataxia telangiectasia (A-T); Cerebello-oculocutaneous telangiectasia; Immunodeficiency with ataxia telangiectasia; AT, COMPLEMENTATION GROUP C; ATAXIA-TELANGIECTASIA, COMPLEMENTATION GROUP A; ATAXIA-TELANGIECTASIA, FRESNO VARIANT. Identifiers: Orphanet 100, MedGen C0004135, MONDO:0008840, OMIM 208900.

Submission:

Labcorp Genetics (formerly Invitae), Labcorp
Classification: Uncertain significance for Ataxia-telangiectasia syndrome. Last evaluated: 2021-03-26. Review status: criteria provided, single submitter. Criteria: Invitae Variant Classification Sherloc (09022015). Collection method: clinical testing. Allele origin: germline.
Comment: This variant is not present in population databases (ExAC no frequency). In summary, the available evidence is currently insufficient to determine the role of this variant in disease. Therefore, it has been classified as a Variant of Uncertain Significance. Algorithms developed to predict the effect of missense changes on protein structure and function output the following: SIFT: "Tolerated"; PolyPhen-2: "Benign"; Align-GVGD: "Class C0". The isoleucine amino acid residue is found in multiple mammalian species, suggesting that this missense change does not adversely affect protein function. These predictions have not been confirmed by published functional studies and their clinical significance is uncertain. This variant has not been reported in the literature in individuals with ATM-related conditions. This sequence change replaces methionine with isoleucine at codon 1628 of the ATM protein (p.Met1628Ile). The methionine residue is moderately conserved and there is a small physicochemical difference between methionine and isoleucine.